The following is an entry in ClinVar:

ClinVar aggregate classification (germline): Conflicting classifications of pathogenicity. Review status: criteria provided, conflicting classifications (1 of 4 stars). 3 submissions from 3 submitters: Uncertain significance (2); Benign (1). Last evaluated 2023-07-01.

Conditions:
Congenital adrenal hyperplasia due to cytochrome P450 oxidoreductase deficiency. Also called: DISORDERED STEROIDOGENESIS DUE TO POR DEFICIENCY. Identifiers: Orphanet 95699, MedGen C1860042, MONDO:0013310, OMIM 613571.

Allele frequency attached by ClinVar (database versions not stated): 1000 Genomes Project 0.00499; 1000 Genomes Project 30x 0.00515; TOPMed 0.00767; gnomAD 0.00770 and 0.00774; ESP Exome Variant Server 0.00802; gnomAD exomes 0.01217.
gnomAD v4.1: 18,406 of 1,580,690 alleles (1.2%); highest among the groups gnomAD compares: Non-Finnish European, 1.4%; 146 homozygotes.

Submissions (3):

CeGaT Center for Human Genetics Tuebingen
Classification: Benign. Last evaluated: 2023-07-01. Review status: criteria provided, single submitter. Criteria: CeGaT Center For Human Genetics Tuebingen Variant Classification Criteria Version 2. Collection method: clinical testing. Allele origin: germline. Affected: yes. Observed: 5 variant alleles.
Comment: POR: BS1, BS2

Illumina Laboratory Services, Illumina
Classification: Uncertain significance for Congenital adrenal hyperplasia due to cytochrome P450 oxidoreductase deficiency. Last evaluated: 2018-01-13. Review status: criteria provided, single submitter. Criteria: ICSL Variant Classification Criteria 13 December 2019. Collection method: clinical testing. Allele origin: germline.

Breakthrough Genomics
Classification: Uncertain significance. Review status: criteria provided, single submitter. Criteria: ACMG Guidelines, 2015. Collection method: not provided. Allele origin: germline. Inheritance: Autosomal recessive inheritance. Affected: yes.

NM_001395413.1(POR):c.*51C>T

Gene: POR (cytochrome p450 oxidoreductase; plus strand). Cytogenetic location: 7q11.23.
Variant type: single nucleotide variant.
Coding change: c.*51C>T on transcript NM_001395413.1 (MANE Select); 51 bases downstream of the stop codon, C replaced by T.
Molecular consequence: 3 prime UTR variant.
Genome position (GRCh38, 1-based): chr7:75,986,532, C>T. VCF-style: chr7-75986532-C-T. GRCh37 (hg19) VCF-style: chr7-75615850-C-T.
Other names: c.*51C>T (NM_001367562.3, NM_001382655.3, NM_001382657.2 and 3 more transcripts).
Identifiers: ClinVar variation 908745 (VCV000908745.31), dbSNP rs41302345, ClinGen allele CA160910544.
Genomic context (GRCh38, chr7:75,986,532, plus strand): 5'-GTGGAGCTAGGGGCCTGCCTGCCCCACCCACCCCACAGACTCCGGCCTGTAATCAGCTCT[C>T]CTGGCTCCCTCCCGTAGTCTCCTGGGTGTGTTTGGCTTGGCCTTGGCATGGGCGCAGGCC-3'